The following is an entry in ClinVar:

ClinVar aggregate classification (germline): Benign. Review status: criteria provided, multiple submitters, no conflicts (2 of 4 stars). 2 submissions from 2 submitters: Benign (2). Last evaluated 2018-01-13.

Conditions:
MHC class II deficiency. Also called: Bare lymphocyte syndrome 2; BLS, TYPE II. Identifiers: Orphanet 572, MedGen C5447452, MONDO:0008855.

Allele frequency attached by ClinVar (database versions not stated): 1000 Genomes Project 0.01697; TOPMed 0.03396; gnomAD exomes 0.05000; gnomAD 0.03616 and 0.03497; 1000 Genomes Project 30x 0.01530.
gnomAD v4.1: 5,351 of 152,314 alleles (3.5%); highest among the groups gnomAD compares: Non-Finnish European, 5.1%; 126 homozygotes.

Submissions (2):

Illumina Laboratory Services, Illumina
Classification: Benign for MHC class II deficiency 1. Last evaluated: 2018-01-13. Review status: criteria provided, single submitter. Criteria: ICSL Variant Classification Criteria 13 December 2019. Collection method: clinical testing. Allele origin: germline.
Comment: This variant was observed in the ICSL laboratory as part of a predisposition screen in an ostensibly healthy population. It had not been previously curated by ICSL or reported in the Human Gene Mutation Database (HGMD: prior to June 1st, 2018), and was therefore a candidate for classification through an automated scoring system. Utilizing variant allele frequency, disease prevalence and penetrance estimates, and inheritance mode, an automated score was calculated to assess if this variant is too frequent to cause the disease. Based on the score and internal cut-off values, a variant classified as benign is not then subjected to further curation. The score for this variant resulted in a classification of benign for this disease.

Breakthrough Genomics
Classification: Benign. Review status: criteria provided, single submitter. Criteria: ACMG Guidelines, 2015. Collection method: not provided. Allele origin: germline. Inheritance: Autosomal recessive inheritance. Affected: yes.

NM_000246.4(CIITA):c.*735G>A

Gene: CIITA (class II major histocompatibility complex transactivator; plus strand). Cytogenetic location: 16p13.13.
Variant type: single nucleotide variant.
Coding change: c.*735G>A on transcript NM_000246.4 (MANE Select); 735 bases downstream of the stop codon, G replaced by A.
Molecular consequence: 3 prime UTR variant. On other transcripts: non-coding transcript variant (1), intron variant (5).
Genome position (GRCh38, 1-based): chr16:10,924,590, G>A. VCF-style: chr16-10924590-G-A. GRCh37 (hg19) VCF-style: chr16-11018447-G-A.
Other names: c.*735G>A (NM_001286402.1, NM_001286403.2); c.*22+1265G>A (NM_001379332.1, NM_001379330.1, NM_001379333.1 and 2 more transcripts).
Identifiers: ClinVar variation 317746 (VCV000317746.6), dbSNP rs34538398, ClinGen allele CA10642875.